The following is an entry in ClinVar:

NM_001355436.2(SPTB):c.2363_2364insA (p.Phe788fs)

Gene: SPTB (spectrin beta, erythrocytic; minus strand). Cytogenetic location: 14q23.3.
Variant type: Insertion.
Coding change: c.2363_2364insA on transcript NM_001355436.2 (MANE Select); coding-DNA positions 2363 to 2364, A inserted.
Protein change: p.Phe788fs; shifts the reading frame from phenylalanine 788.
Molecular consequence: frameshift variant.
Genome position: GRCh38 VCF-style: chr14-64793299-G-GT. GRCh37 (hg19) VCF-style: chr14-65260017-G-GT.
Other names: c.2363_2364insA, p.Phe788fs (NM_001024858.4, NM_001355437.2); short protein forms F788fs.
Identifiers: ClinVar variation 2780282 (VCV002780282.3), dbSNP rs2503158289, ClinGen allele CA2695219508.

ClinVar aggregate classification (germline): Pathogenic (1 of 4 stars; one submission).

Submission:

Labcorp Genetics (formerly Invitae), Labcorp
Classification: Pathogenic. Last evaluated: 2023-03-29. Review status: criteria provided, single submitter. Criteria: Invitae Variant Classification Sherloc (09022015). Collection method: clinical testing. Allele origin: germline.
Comment: This sequence change creates a premature translational stop signal (p.Phe788Leufs*74) in the SPTB gene. It is expected to result in an absent or disrupted protein product. Loss-of-function variants in SPTB are known to be pathogenic (PMID: 1391962, 1498324, 8844207, 26830532, 27292444). For these reasons, this variant has been classified as Pathogenic. This premature translational stop signal has been observed in individual(s) with autosomal dominant hereditary spherocytosis (PMID: 32436265). This variant is not present in population databases (gnomAD no frequency).

Literature cited by the submitters: PubMed 1391962; PubMed 1498324; PubMed 8844207; PubMed 26830532; PubMed 27292444; PubMed 32436265.